The following is an entry in ClinVar:

NM_001966.4(EHHADH):c.259G>T (p.Glu87Ter)

Gene: EHHADH (enoyl-CoA hydratase and 3-hydroxyacyl CoA dehydrogenase; minus strand). Cytogenetic location: 3q27.2.
Variant type: single nucleotide variant.
Coding change: c.259G>T on transcript NM_001966.4 (MANE Select); coding-DNA position 259, G replaced by T.
Protein change: p.Glu87Ter; replaces glutamic acid 87 with a stop codon.
Molecular consequence: nonsense. On other transcripts: 5 prime UTR variant (1).
Genome position (GRCh38, 1-based): chr3:185,235,382, C>A on the plus strand (G>T on the coding strand, the complement: EHHADH is on the minus strand). VCF-style: chr3-185235382-C-A. GRCh37 (hg19) VCF-style: chr3-184953170-C-A.
Other names: c.-30G>T (NM_001166415.2); short protein forms E87*.
Identifiers: ClinVar variation 4981312 (VCV004981312.1).

ClinVar aggregate classification (germline): Uncertain significance (1 of 4 stars; one submission).

Conditions:
EHHADH-related disorder. Also called: EHHADH-related condition.

gnomAD v4.1: 22 of 1,613,862 alleles (0.0014%); highest among the groups gnomAD compares: Non-Finnish European, 0.0018%; no homozygotes.

Submission:

PreventionGenetics, part of Exact Sciences
Classification: Uncertain significance for EHHADH-related condition. Last evaluated: 2024-12-18. Review status: criteria provided, single submitter. Criteria: ACMG Guidelines, 2015. Collection method: clinical testing. Allele origin: germline.
Comment: The EHHADH c.259G>T variant is predicted to result in premature protein termination (p.Glu87*). To our knowledge, this variant has not been reported in the literature. This variant is reported in 0.00088% of alleles in individuals of European (Non-Finnish) descent in gnomAD. At this time, the clinical significance of this variant is uncertain due to the absence of conclusive functional and genetic evidence.